The following is an entry in ClinVar:

ClinVar aggregate classification (germline): Benign. Review status: criteria provided, multiple submitters, no conflicts (2 of 4 stars). 19 submissions from 19 submitters: Benign (12). 7 of the submissions do not count toward it. Last evaluated 2026-02-04.

Conditions:
Cardiovascular phenotype. Identifiers: MedGen CN230736.
Hypertrophic cardiomyopathy 12. Identifiers: MedGen C2677491, MONDO:0012804, OMIM 612124.
Dilated cardiomyopathy 1M (CMD1M). Identifiers: Orphanet 154, MedGen C1843808, MONDO:0011840, OMIM 607482.
Cardiomyopathy (CMYO). Also called: Cardiomyopathies. Identifiers: Orphanet 167848, MedGen C0878544, MONDO:0004994, HP:0001638. Inheritance: Various modes of inheritance.
Primary dilated cardiomyopathy (DCM). Also called: Dilated Cardiomyopathy. Identifiers: Orphanet 217604, MedGen C0007193, MeSH D002311, MONDO:0005021, HP:0001644. Inheritance: Various modes of inheritance.

Allele frequency attached by ClinVar (database versions not stated): 1000 Genomes Project 30x 0.04263; 1000 Genomes Project 0.04273; TOPMed 0.06696; gnomAD 0.07160 and 0.07238; ESP Exome Variant Server 0.07748.
gnomAD v4.1: 150,694 of 1,614,124 alleles (9.3%); highest among the groups gnomAD compares: Non-Finnish European, 11%; 7,823 homozygotes.

Submissions (19):

Labcorp Genetics (formerly Invitae), Labcorp
Classification: Benign for Hypertrophic cardiomyopathy 12; Dilated cardiomyopathy 1M. Last evaluated: 2026-02-04. Review status: criteria provided, single submitter. Criteria: Invitae Variant Classification Sherloc (09022015). Collection method: clinical testing. Allele origin: germline.

ARUP Laboratories, Molecular Genetics and Genomics, ARUP Laboratories
Classification: Benign. Last evaluated: 2025-07-28. Review status: criteria provided, single submitter. Criteria: ARUP Molecular Germline Variant Investigation Process 2024. Collection method: clinical testing. Allele origin: germline.

Molecular Diagnostic Laboratory for Inherited Cardiovascular Disease, Montreal Heart Institute
Classification: Benign. Last evaluated: 2025-04-09. Review status: criteria provided, single submitter. Criteria: ACMG Guidelines, 2015. Collection method: clinical testing. Allele origin: germline. Affected: no.

Blueprint Genetics
Classification: Benign. Last evaluated: 2024-11-27. Review status: criteria provided, single submitter. Criteria: ACMG Guidelines, 2015. Collection method: clinical testing. Allele origin: germline.

CHEO Genetics Diagnostic Laboratory, Children's Hospital of Eastern Ontario
Classification: Benign for Cardiomyopathy. Last evaluated: 2019-03-01. Review status: criteria provided, single submitter. Criteria: ACMG Guidelines, 2015. Collection method: clinical testing. Allele origin: germline.

Illumina Laboratory Services, Illumina
Classification: Benign for Hypertrophic cardiomyopathy 12. Last evaluated: 2018-01-13. Review status: criteria provided, single submitter. Criteria: ICSL Variant Classification Criteria 13 December 2019. Collection method: clinical testing. Allele origin: germline.
Comment: This variant was observed in the ICSL laboratory as part of a predisposition screen in an ostensibly healthy population. It had not been previously curated by ICSL or reported in the Human Gene Mutation Database (HGMD: prior to June 1st, 2018), and was therefore a candidate for classification through an automated scoring system. Utilizing variant allele frequency, disease prevalence and penetrance estimates, and inheritance mode, an automated score was calculated to assess if this variant is too frequent to cause the disease. Based on the score and internal cut-off values, a variant classified as benign is not then subjected to further curation. The score for this variant resulted in a classification of benign for this disease.

Ambry Genetics
Classification: Benign for Cardiovascular phenotype. Last evaluated: 2015-06-23. Review status: criteria provided, single submitter. Criteria: Ambry Variant Classification Scheme 2023. Collection method: clinical testing. Allele origin: germline.

Mayo Clinic Laboratories, Mayo Clinic
Classification: Benign. Last evaluated: 2015-05-27. Review status: criteria provided, single submitter. Criteria: ACMG Guidelines, 2015. Collection method: clinical testing. Allele origin: germline. Observed: 285 variant alleles.

GeneDx
Classification: Benign. Last evaluated: 2012-12-04. Review status: criteria provided, single submitter. Criteria: GeneDx Variant Classification (06012015). Collection method: clinical testing. Allele origin: germline. Affected: yes.
Comment: This variant is considered likely benign or benign based on one or more of the following criteria: it is a conservative change, it occurs at a poorly conserved position in the protein, it is predicted to be benign by multiple in silico algorithms, and/or has population frequency not consistent with disease.

Laboratory for Molecular Medicine, Mass General Brigham Personalized Medicine
Classification: Benign. Last evaluated: 2008-02-15. Review status: criteria provided, single submitter. Criteria: LMM Criteria. Collection method: clinical testing. Allele origin: germline. Observed: 539 variant alleles.

Breakthrough Genomics
Classification: Benign. Review status: criteria provided, single submitter. Criteria: ACMG Guidelines, 2015. Collection method: not provided. Allele origin: germline. Inheritance: Autosomal dominant inheritance. Affected: yes.

PreventionGenetics, part of Exact Sciences
Classification: Benign. Review status: criteria provided, single submitter. Criteria: ACMG Guidelines, 2015. Collection method: clinical testing. Allele origin: germline.

Cytogenetics- Mohapatra Lab, Banaras Hindu University
Classification: Likely pathogenic for Dilated cardiomyopathy. Last evaluated: 2014-09-23. Review status: no assertion criteria provided. Collection method: case-control. Allele origin: unknown. Affected: yes. Observed: 16 variant alleles. Not counted in ClinVar's aggregate classification.

Clinical Genetics DNA and cytogenetics Diagnostics Lab, Erasmus MC, Erasmus Medical Center
Classification: Benign. Review status: no assertion criteria provided. Collection method: clinical testing. Allele origin: germline. Affected: yes. Study: VKGL Data-share Consensus. Not counted in ClinVar's aggregate classification.

Clinical Genetics, Academic Medical Center
Classification: Benign. Review status: no assertion criteria provided. Collection method: clinical testing. Allele origin: germline. Affected: yes. Study: VKGL Data-share Consensus. Not counted in ClinVar's aggregate classification.

Department of Pathology and Laboratory Medicine, Sinai Health System
Classification: Uncertain significance. Review status: no assertion criteria provided. Collection method: clinical testing. Allele origin: unknown. Affected: yes. Study: The Canadian Open Genetics Repository (COGR). Not counted in ClinVar's aggregate classification.
Comment: Allele frequency is common in at least one population database (frequency: 11.585% in ExAC) based on the frequency threshold of 5.0% for this gene. Variant was observed in a homozygous state in population databases more than expected for disease. 1 reputable source/s reports the variant as benign, but the evidence is not available to the laboratory to perform an independent evaluation. A synonymous variant not located in a splice region.

Diagnostic Laboratory, Department of Genetics, University Medical Center Groningen
Classification: Benign. Review status: no assertion criteria provided. Collection method: clinical testing. Allele origin: germline. Affected: yes. Study: VKGL Data-share Consensus. Not counted in ClinVar's aggregate classification.

Genome Diagnostics Laboratory, University Medical Center Utrecht
Classification: Benign. Review status: no assertion criteria provided. Collection method: clinical testing. Allele origin: germline. Affected: yes. Study: VKGL Data-share Consensus. Not counted in ClinVar's aggregate classification.

Joint Genome Diagnostic Labs from Nijmegen and Maastricht, Radboudumc and MUMC+
Classification: Benign. Review status: no assertion criteria provided. Collection method: clinical testing. Allele origin: germline. Affected: yes. Study: VKGL Data-share Consensus. Not counted in ClinVar's aggregate classification.

NM_003476.5(CSRP3):c.336G>A (p.Ala112=)

Gene: CSRP3 (cysteine and glycine rich protein 3; minus strand). Cytogenetic location: 11p15.1.
Variant type: single nucleotide variant.
Coding change: c.336G>A on transcript NM_003476.5 (MANE Select); coding-DNA position 336, G replaced by A.
Protein change: p.Ala112=; no amino-acid change (alanine 112 retained).
Molecular consequence: synonymous variant. On other transcripts: missense variant (1).
Genome position (GRCh38, 1-based): chr11:19,186,294, C>T on the plus strand (G>A on the coding strand, the complement: CSRP3 is on the minus strand). VCF-style: chr11-19186294-C-T. GRCh37 (hg19) VCF-style: chr11-19207841-C-T.
Other names: p.A112A:GCG>GCA; p.Ala112=; c.167G>A, p.Arg56Gln (NM_001369404.1); short protein forms R56Q.
Identifiers: ClinVar variation 44696 (VCV000044696.51), dbSNP rs13451, ClinGen allele CA134897.